The following is an entry in ClinVar:

NM_018139.3(DNAAF2):c.1385C>G (p.Pro462Arg)

Gene: DNAAF2 (dynein axonemal assembly factor 2; minus strand). Cytogenetic location: 14q21.3.
Variant type: single nucleotide variant.
Coding change: c.1385C>G on transcript NM_018139.3 (MANE Select); coding-DNA position 1385, C replaced by G.
Protein change: p.Pro462Arg; replaces proline 462 with arginine.
Molecular consequence: missense variant. On other transcripts: 5 prime UTR variant (1).
Genome position (GRCh38, 1-based): chr14:49,633,765, G>C on the plus strand (C>G on the coding strand, the complement: DNAAF2 is on the minus strand). VCF-style: chr14-49633765-G-C. GRCh37 (hg19) VCF-style: chr14-50100483-G-C.
Other names: c.1385C>G, p.Pro462Arg (NM_001083908.2); c.-487C>G (NM_001378453.1); short protein forms P462R.
Identifiers: ClinVar variation 2512940 (VCV002512940.3), dbSNP rs757527838, ClinGen allele CA7172929.

ClinVar aggregate classification (germline): Uncertain significance. Review status: criteria provided, multiple submitters, no conflicts (2 of 4 stars). 2 submissions from 2 submitters: Uncertain significance (2). Last evaluated 2025-03-12.

Conditions:
Primary ciliary dyskinesia. Also called: Ciliary dyskinesia. Identifiers: Orphanet 244, MedGen C0008780, MONDO:0016575, HP:0012265.

Allele frequency attached by ClinVar (database versions not stated): ExAC 0.00003.
gnomAD v4.1: 18 of 1,591,916 alleles (0.0011%); highest among the groups gnomAD compares: Non-Finnish European, 0.0015%; no homozygotes.

Submissions (2):

Labcorp Genetics (formerly Invitae), Labcorp
Classification: Uncertain significance for Primary ciliary dyskinesia. Last evaluated: 2025-03-12. Review status: criteria provided, single submitter. Criteria: Invitae Variant Classification Sherloc (09022015). Collection method: clinical testing. Allele origin: germline.
Comment: This sequence change replaces proline, which is neutral and non-polar, with arginine, which is basic and polar, at codon 462 of the DNAAF2 protein (p.Pro462Arg). This variant is present in population databases (rs757527838, gnomAD 0.002%). This variant has not been reported in the literature in individuals affected with DNAAF2-related conditions. ClinVar contains an entry for this variant (Variation ID: 2512940). An algorithm developed to predict the effect of missense changes on protein structure and function (PolyPhen-2) suggests that this variant is likely to be disruptive. In summary, the available evidence is currently insufficient to determine the role of this variant in disease. Therefore, it has been classified as a Variant of Uncertain Significance.

Ambry Genetics
Classification: Uncertain significance for Primary ciliary dyskinesia. Last evaluated: 2023-06-05. Review status: criteria provided, single submitter. Criteria: Ambry Variant Classification Scheme 2023. Collection method: clinical testing. Allele origin: germline.